The following is an entry in ClinVar:

ClinVar aggregate classification (germline): Pathogenic (1 of 4 stars; one submission).

Conditions:
Developmental and epileptic encephalopathy, 9 (DEE9). Also called: Early infantile epileptic encephalopathy 9; EPILEPSY, FEMALE-RESTRICTED, WITH MENTAL RETARDATION; JUBERG-HELLMAN SYNDROME; PCDH19-Related X-Linked Female-Limited Epilepsy with Mental Retardation. Identifiers: Orphanet 101039, Orphanet 2076, MedGen C1848137, MONDO:0010246, OMIM 300088. Disease mechanism: loss of function.

Submission:

Labcorp Genetics (formerly Invitae), Labcorp
Classification: Pathogenic for Developmental and epileptic encephalopathy, 9. Last evaluated: 2022-01-13. Review status: criteria provided, single submitter. Criteria: Invitae Variant Classification Sherloc (09022015). Collection method: clinical testing. Allele origin: germline.
Comment: This sequence change creates a premature translational stop signal (p.Gly271Glnfs*50) in the PCDH19 gene. It is expected to result in an absent or disrupted protein product. Loss-of-function variants in PCDH19 are known to be pathogenic (PMID: 21053371). This variant is not present in population databases (gnomAD no frequency). This variant has not been reported in the literature in individuals affected with PCDH19-related conditions. ClinVar contains an entry for this variant (Variation ID: 1075007). For these reasons, this variant has been classified as Pathogenic.

Literature cited by the submitters: PubMed 21053371.

NM_001184880.2(PCDH19):c.807_810dup (p.Gly271fs)

Gene: PCDH19 (protocadherin 19; minus strand). Cytogenetic location: Xq22.1.
Variant type: Duplication.
Coding change: c.807_810dup on transcript NM_001184880.2 (MANE Select); coding-DNA positions 807 to 810, 4 bases duplicated (CAAC; older notation c.807_810dupCAAC).
Protein change: p.Gly271fs; shifts the reading frame from glycine 271.
Molecular consequence: frameshift variant.
Genome position (GRCh38, 1-based): chrX:100,407,788-100,407,791, GTTG duplicated on the plus strand (CAAC on the coding strand, the reverse complement: PCDH19 is on the minus strand); duplicating any 4 consecutive bases within chrX:100,407,788-100,407,793 gives the same sequence; the c. name uses the placement nearest the transcript's 3' end. VCF-style (leftmost placement, unchanged base first): chrX-100407787-C-CGTTG. GRCh37 (hg19) VCF-style: chrX-99662785-C-CGTTG.
Other names: c.807_810dup, p.Gly271fs (NM_001105243.2, NM_020766.3); short protein forms G271fs.
Identifiers: ClinVar variation 1075007 (VCV001075007.7), dbSNP rs2147540522, ClinGen allele CA2499226257.